The following is an entry in ClinVar:

NM_016120.4(RLIM):c.1729T>C (p.Tyr577His)

Gene: RLIM (ring finger protein, LIM domain interacting; minus strand). Cytogenetic location: Xq13.2.
Variant type: single nucleotide variant.
Coding change: c.1729T>C on transcript NM_016120.4 (MANE Select); coding-DNA position 1729, T replaced by C.
Protein change: p.Tyr577His; replaces tyrosine 577 with histidine.
Molecular consequence: missense variant.
Genome position (GRCh38, 1-based): chrX:74,591,586, A>G on the plus strand (T>C on the coding strand, the complement: RLIM is on the minus strand). VCF-style: chrX-74591586-A-G. GRCh37 (hg19) VCF-style: chrX-73811421-A-G.
Other names: c.1729T>C, p.Tyr577His (NM_183353.3); short protein forms Y577H.
Identifiers: ClinVar variation 598940 (VCV000598940.3), dbSNP rs1569309484, ClinGen allele CA413659463.

ClinVar aggregate classification (germline): Likely pathogenic (1 of 4 stars; one submission).

Conditions:
Intellectual disability, X-linked 61 (TOKAS). Also called: TONNE-KALSCHEUER SYNDROME. Identifiers: MedGen C4283894, MONDO:0010506, OMIM 300978.

Submission:

Institute for Genomic Medicine, Nationwide Children's Hospital
Classification: Likely pathogenic for Intellectual disability, X-linked 61. Last evaluated: 2018-12-05. Review status: criteria provided, single submitter. Criteria: ACMG Guidelines, 2015. Collection method: research. Allele origin: maternal, unknown. Inheritance: X-linked recessive inheritance. Affected: yes and no. Observed: 1 heterozygote, 1 hemizygote.
Comment: The Tyr577His variant in RLIM was reported along with several other hemizygous missense mutations in males with a syndromic X-linked intellectual disability and behavioral disorder (Family E in Frints et al, 2018). This variant is not observed in large population cohorts such as gnomAD (Lek et al, 2016), and is predicted to be damaging by a majority of computational tools. The Tyr577His variant occurs in the C-terminal catalytic RING-H2 zinc finger domain of the protein; in vitro functional studies indicate that missense changes in this domain impair RLIM ubiquitin ligase activity (Frints et al, 2018). It segregates with disease in the observed family E consistent with X-linked recessive inheritance. We therefore interpret Tyr577His as a likely pathogenic variant.

Literature cited by the submitters: PubMed 29728705.